The following is an entry in ClinVar:

ClinVar aggregate classification (germline): Conflicting classifications of pathogenicity. Review status: criteria provided, conflicting classifications (1 of 4 stars). 3 submissions from 3 submitters: Uncertain significance (2); Likely benign (1). Last evaluated 2025-08-24.

Conditions:
Bethlem myopathy 1A. Also called: Bethlem Muscular Dystrophy; MYOPATHY, BENIGN CONGENITAL, WITH CONTRACTURES; Bethlem myopathy 1. Identifiers: Orphanet 610, MedGen CN029274, MONDO:0024530, OMIM 158810.
Inborn genetic diseases. Identifiers: MedGen C0950123, MeSH D030342.

Allele frequency attached by ClinVar (database versions not stated): TOPMed 0.00002.
gnomAD v4.1: 28 of 1,614,116 alleles (0.0017%); highest among the groups gnomAD compares: Admixed American, 0.005%; no homozygotes.

Submissions (3):

Ambry Genetics
Classification: Uncertain significance for Inborn genetic diseases. Last evaluated: 2025-08-24. Review status: criteria provided, single submitter. Criteria: Ambry Variant Classification Scheme 2023. Collection method: clinical testing. Allele origin: germline.

Labcorp Genetics (formerly Invitae), Labcorp
Classification: Likely benign for Bethlem myopathy 1A. Last evaluated: 2025-08-18. Review status: criteria provided, single submitter. Criteria: Invitae Variant Classification Sherloc (09022015). Collection method: clinical testing. Allele origin: germline.

GeneDx
Classification: Uncertain significance. Last evaluated: 2024-01-05. Review status: criteria provided, single submitter. Criteria: GeneDx Variant Classification Process June 2021. Collection method: clinical testing. Allele origin: germline. Affected: yes.
Comment: In silico analysis supports that this missense variant has a deleterious effect on protein structure/function; Has not been previously published as pathogenic or benign to our knowledge

NM_004369.4(COL6A3):c.1537C>T (p.Arg513Trp)

Gene: COL6A3 (collagen type VI alpha 3 chain; minus strand). Cytogenetic location: 2q37.3.
Variant type: single nucleotide variant.
Coding change: c.1537C>T on transcript NM_004369.4 (MANE Select); coding-DNA position 1537, C replaced by T.
Protein change: p.Arg513Trp; replaces arginine 513 with tryptophan.
Molecular consequence: missense variant.
Genome position (GRCh38, 1-based): chr2:237,381,275, G>A on the plus strand (C>T on the coding strand, the complement: COL6A3 is on the minus strand). VCF-style: chr2-237381275-G-A. GRCh37 (hg19) VCF-style: chr2-238289918-G-A.
Other names: c.316C>T, p.Arg106Trp (NM_057164.5, NM_057166.5); c.919C>T, p.Arg307Trp (NM_057165.5, NM_057167.4); short protein forms R106W, R307W, R513W.
Identifiers: ClinVar variation 998831 (VCV000998831.12), dbSNP rs369379463, ClinGen allele CA2189604.